The following is an entry in ClinVar:

NM_031844.3(HNRNPU):c.516G>T (p.Gln172His)

Gene: HNRNPU (heterogeneous nuclear ribonucleoprotein U; minus strand). Cytogenetic location: 1q44.
Variant type: single nucleotide variant.
Coding change: c.516G>T on transcript NM_031844.3 (MANE Select); coding-DNA position 516, G replaced by T.
Protein change: p.Gln172His; replaces glutamine 172 with histidine.
Molecular consequence: missense variant.
Genome position (GRCh38, 1-based): chr1:244,863,792, C>A on the plus strand (G>T on the coding strand, the complement: HNRNPU is on the minus strand). VCF-style: chr1-244863792-C-A. GRCh37 (hg19) VCF-style: chr1-245027094-C-A.
Other names: c.516G>T, p.Gln172His (NM_004501.3); short protein forms Q172H.
Identifiers: ClinVar variation 1993970 (VCV001993970.5), dbSNP rs1393651101, ClinGen allele CA345496744.

ClinVar aggregate classification (germline): Uncertain significance. Review status: criteria provided, multiple submitters, no conflicts (2 of 4 stars). 2 submissions from 2 submitters: Uncertain significance (2). Last evaluated 2024-01-23.

Conditions:
Developmental and epileptic encephalopathy, 54. Also called: HNRNPU-Related Neurodevelopmental Disorder; Epileptic encephalopathy, early infantile, 54. Identifiers: MedGen C4479319, MONDO:0033363, OMIM 617391.

Allele frequency attached by ClinVar (database versions not stated): gnomAD exomes 0.00001; TOPMed 0.00001.
gnomAD v4.1: 13 of 1,607,374 alleles (0.00081%); highest among the groups gnomAD compares: Non-Finnish European, 0.0011%; no homozygotes.

Submissions (2):

Blueprint Genetics
Classification: Uncertain significance. Last evaluated: 2024-01-23. Review status: criteria provided, single submitter. Criteria: ACMG Guidelines, 2015. Collection method: clinical testing. Allele origin: germline.

Labcorp Genetics (formerly Invitae), Labcorp
Classification: Uncertain significance for Developmental and epileptic encephalopathy, 54. Last evaluated: 2022-05-13. Review status: criteria provided, single submitter. Criteria: Invitae Variant Classification Sherloc (09022015). Collection method: clinical testing. Allele origin: germline.
Comment: This variant has not been reported in the literature in individuals affected with HNRNPU-related conditions. Algorithms developed to predict the effect of missense changes on protein structure and function are either unavailable or do not agree on the potential impact of this missense change (SIFT: "Deleterious"; PolyPhen-2: "Benign"; Align-GVGD: "Class C0"). In summary, the available evidence is currently insufficient to determine the role of this variant in disease. Therefore, it has been classified as a Variant of Uncertain Significance. This variant is not present in population databases (gnomAD no frequency). This sequence change replaces glutamine, which is neutral and polar, with histidine, which is basic and polar, at codon 172 of the HNRNPU protein (p.Gln172His).